The following is an entry in ClinVar:

NM_001042472.3(ABHD12):c.726C>T (p.Ile242=)

Genes: ABHD12 (abhydrolase domain containing 12, lysophospholipase; minus strand), LOC126863008 (CDK7 strongly-dependent group 2 enhancer GRCh37_chr20:25289826-25291025; plus strand). Cytogenetic location: 20p11.21.
Variant type: single nucleotide variant.
Coding change: c.726C>T on transcript NM_001042472.3 (MANE Select); coding-DNA position 726, C replaced by T.
Protein change: p.Ile242=; no amino-acid change (isoleucine 242 retained).
Molecular consequence: synonymous variant.
Genome position (GRCh38, 1-based): chr20:25,309,469, G>A on the plus strand (C>T on the coding strand, the complement: ABHD12 is on the minus strand). VCF-style: chr20-25309469-G-A. GRCh37 (hg19) VCF-style: chr20-25290105-G-A.
Other names: c.726C>T, p.Ile242= (NM_015600.5).
Identifiers: ClinVar variation 1153681 (VCV001153681.37), dbSNP rs375945474, ClinGen allele CA9796033.

ClinVar aggregate classification (germline): Likely benign. Review status: criteria provided, multiple submitters, no conflicts (2 of 4 stars). 5 submissions from 5 submitters: Likely benign (5). Last evaluated 2026-01-09.

Allele frequency attached by ClinVar (database versions not stated): gnomAD exomes 0.00005 and 0.00010; ExAC 0.00006; gnomAD 0.00006; TOPMed 0.00007.
gnomAD v4.1: 97 of 1,614,086 alleles (0.006%); highest among the groups gnomAD compares: East Asian, 0.096%; no homozygotes.

Submissions (5):

Women's Health and Genetics/Laboratory Corporation of America, LabCorp
Classification: Likely benign. Last evaluated: 2026-01-09. Review status: criteria provided, single submitter. Criteria: LabCorp Variant Classification Summary - May 2015. Collection method: clinical testing. Allele origin: germline.

Labcorp Genetics (formerly Invitae), Labcorp
Classification: Likely benign. Last evaluated: 2025-11-08. Review status: criteria provided, single submitter. Criteria: Invitae Variant Classification Sherloc (09022015). Collection method: clinical testing. Allele origin: germline.

Blueprint Genetics
Classification: Likely benign. Last evaluated: 2024-09-18. Review status: criteria provided, single submitter. Criteria: ACMG Guidelines, 2015. Collection method: clinical testing. Allele origin: germline.

CeGaT Center for Human Genetics Tuebingen
Classification: Likely benign. Last evaluated: 2022-12-01. Review status: criteria provided, single submitter. Criteria: CeGaT Center For Human Genetics Tuebingen Variant Classification Criteria Version 2. Collection method: clinical testing. Allele origin: germline. Affected: yes. Observed: 1 variant allele.
Comment: ABHD12: BP4, BP7

GeneDx
Classification: Likely benign. Last evaluated: 2020-07-15. Review status: criteria provided, single submitter. Criteria: GeneDx Variant Classification Process June 2021. Collection method: clinical testing. Allele origin: germline. Affected: yes.